The following is an entry in ClinVar:

NM_007103.4(NDUFV1):c.696C>T (p.Asp232=)

Gene: NDUFV1 (NADH:ubiquinone oxidoreductase core subunit V1; plus strand). Cytogenetic location: 11q13.2.
Variant type: single nucleotide variant.
Coding change: c.696C>T on transcript NM_007103.4 (MANE Select); coding-DNA position 696, C replaced by T.
Protein change: p.Asp232=; no amino-acid change (aspartic acid 232 retained).
Molecular consequence: synonymous variant.
Genome position (GRCh38, 1-based): chr11:67,610,566, C>T. VCF-style: chr11-67610566-C-T. GRCh37 (hg19) VCF-style: chr11-67378037-C-T.
Other names: c.669C>T, p.Asp223= (NM_001166102.2).
Identifiers: ClinVar variation 2642024 (VCV002642024.27), dbSNP rs144090187, ClinGen allele CA6143244.

ClinVar aggregate classification (germline): Likely benign. Review status: criteria provided, multiple submitters, no conflicts (2 of 4 stars). 2 submissions from 2 submitters: Likely benign (2). Last evaluated 2023-10-16.

Allele frequency attached by ClinVar (database versions not stated): gnomAD exomes 0.00001; ExAC 0.00002; gnomAD 0.00003; TOPMed 0.00003; ESP Exome Variant Server 0.00015.
gnomAD v4.1: 23 of 1,613,910 alleles (0.0014%); highest among the groups gnomAD compares: Middle Eastern, 0.017%; no homozygotes.

Submissions (2):

Labcorp Genetics (formerly Invitae), Labcorp
Classification: Likely benign. Last evaluated: 2023-10-16. Review status: criteria provided, single submitter. Criteria: Invitae Variant Classification Sherloc (09022015). Collection method: clinical testing. Allele origin: germline.

CeGaT Center for Human Genetics Tuebingen
Classification: Likely benign. Last evaluated: 2023-05-01. Review status: criteria provided, single submitter. Criteria: CeGaT Center For Human Genetics Tuebingen Variant Classification Criteria Version 2. Collection method: clinical testing. Allele origin: germline. Affected: yes. Observed: 1 variant allele.
Comment: NDUFV1: BP4, BP7